The following is an entry in ClinVar:

NM_001371928.1(AHDC1):c.2194G>A (p.Asp732Asn)

Gene: AHDC1 (AT-hook DNA binding motif containing 1; minus strand). Cytogenetic location: 1p36.11.
Variant type: single nucleotide variant.
Coding change: c.2194G>A on transcript NM_001371928.1 (MANE Select); coding-DNA position 2194, G replaced by A.
Protein change: p.Asp732Asn; replaces aspartic acid 732 with asparagine.
Molecular consequence: missense variant.
Genome position (GRCh38, 1-based): chr1:27,549,922, C>T on the plus strand (G>A on the coding strand, the complement: AHDC1 is on the minus strand). VCF-style: chr1-27549922-C-T. GRCh37 (hg19) VCF-style: chr1-27876433-C-T.
Other names: c.2194G>A, p.Asp732Asn (NM_001029882.3); short protein forms D732N.
Identifiers: ClinVar variation 2498398 (VCV002498398.28), dbSNP rs2521951893, ClinGen allele CA339232505.
Genomic context (GRCh38, chr1:27,549,922, plus strand): 5'-GGAACAGAGTCCCATTCTTCCGGGACCGTCTCTTGCGCTTTGGCTTCCCAGTCACAGCGT[C>T]TACCTCCCCCCGGCCCCGTTTGCGTGGGTGCCCCAACTCAGTAAGGCCCGGGCCCCCGAC-3'
Protein context (NP_001358857.1, residues 722-742): HPRKRGRGEV[Asp732Asn]AVTGKPKRKR

ClinVar aggregate classification (germline): Uncertain significance (1 of 4 stars; one submission).

Allele frequency attached by ClinVar (database versions not stated): gnomAD exomes 0.00001.
gnomAD v4.1: 4 of 1,613,640 alleles (0.00025%); highest among the groups gnomAD compares: Non-Finnish European, 0.00034%; no homozygotes.

Submission:

CeGaT Center for Human Genetics Tuebingen
Classification: Uncertain significance. Last evaluated: 2023-03-01. Review status: criteria provided, single submitter. Criteria: CeGaT Center For Human Genetics Tuebingen Variant Classification Criteria Version 2. Collection method: clinical testing. Allele origin: germline. Affected: yes. Observed: 1 variant allele.
Comment: AHDC1: PM2